The following is an entry in ClinVar:

NM_020433.5(JPH2):c.1836del (p.Glu613fs)

Gene: JPH2 (junctophilin 2; minus strand). Cytogenetic location: 20q13.12.
Variant type: Deletion.
Coding change: c.1836del on transcript NM_020433.5 (MANE Select); coding-DNA position 1836, one base deleted (C; older notation c.1836delC).
Protein change: p.Glu613fs; shifts the reading frame from glutamic acid 613.
Molecular consequence: frameshift variant.
Genome position (GRCh38, 1-based): chr20:44,115,839, G deleted on the plus strand (C on the coding strand, the reverse complement: JPH2 is on the minus strand); the first of 4 consecutive G bases (chr20:44,115,839-44,115,842); deleting any one gives the same sequence. VCF-style (leftmost placement, unchanged base first): chr20-44115838-CG-C. GRCh37 (hg19) VCF-style: chr20-42744478-CG-C.
Other names: short protein forms E613fs.
Identifiers: ClinVar variation 4277386 (VCV004277386.1).

ClinVar aggregate classification (germline): Likely pathogenic (1 of 4 stars; one submission).

Conditions:
Cardiomyopathy, dilated, 2E. Identifiers: MedGen C5561970, MONDO:0030366, OMIM 619492.

Submission:

Department of Traditional Chinese Medicine, Fujian Provincial Hospital
Classification: Likely pathogenic for Cardiomyopathy, dilated, 2E. Review status: criteria provided, single submitter. Criteria: ACMG Guidelines, 2015. Collection method: research. Allele origin: inherited. Affected: yes.
Comment: The mutation point is a frame-shift mutation. According to ACMG guidelines, the mutation point conforms to PVS1_Strong (Null variant in a gene where loss of function is a known mechanism of disease), PM2_Supporting (Absent from controls in Exome Sequencing Project, 1000 Genomes or ExAC) and PM3_Supporting (For recessive disorders, detected in trans with a pathogenic variant), so it is considered to be possibly pathogenic.

Literature cited by the submitters: PubMed 30384889.